The following is an entry in ClinVar:

ClinVar aggregate classification (germline): Uncertain significance. Review status: criteria provided, multiple submitters, no conflicts (2 of 4 stars). 2 submissions from 2 submitters: Uncertain significance (2). Last evaluated 2025-05-27.

Conditions:
Inborn genetic diseases. Identifiers: MedGen C0950123, MeSH D030342.

Submissions (2):

Labcorp Genetics (formerly Invitae), Labcorp
Classification: Uncertain significance. Last evaluated: 2025-05-27. Review status: criteria provided, single submitter. Criteria: Invitae Variant Classification Sherloc (09022015). Collection method: clinical testing. Allele origin: germline.
Comment: This sequence change replaces serine, which is neutral and polar, with phenylalanine, which is neutral and non-polar, at codon 308 of the F12 protein (p.Ser308Phe). This variant is present in population databases (rs139263608, gnomAD 0.01%). This variant has not been reported in the literature in individuals affected with F12-related conditions. ClinVar contains an entry for this variant (Variation ID: 2158503). An algorithm developed to predict the effect of missense changes on protein structure and function (PolyPhen-2) suggests that this variant is likely to be tolerated. In summary, the available evidence is currently insufficient to determine the role of this variant in disease. Therefore, it has been classified as a Variant of Uncertain Significance.

Ambry Genetics
Classification: Uncertain significance for Inborn genetic diseases. Last evaluated: 2023-12-07. Review status: criteria provided, single submitter. Criteria: Ambry Variant Classification Scheme 2023. Collection method: clinical testing. Allele origin: germline.

NM_000505.4(F12):c.923C>T (p.Ser308Phe)

Gene: F12 (coagulation factor XII; minus strand). Cytogenetic location: 5q35.3.
Variant type: single nucleotide variant.
Coding change: c.923C>T on transcript NM_000505.4 (MANE Select); coding-DNA position 923, C replaced by T.
Protein change: p.Ser308Phe; replaces serine 308 with phenylalanine.
Molecular consequence: missense variant.
Genome position (GRCh38, 1-based): chr5:177,404,291, G>A on the plus strand (C>T on the coding strand, the complement: F12 is on the minus strand). VCF-style: chr5-177404291-G-A. GRCh37 (hg19) VCF-style: chr5-176831292-G-A.
Other names: short protein forms S308F.
Identifiers: ClinVar variation 2158503 (VCV002158503.5), dbSNP rs139263608, ClinGen allele CA3581345.